The following is an entry in ClinVar:

ClinVar aggregate classification (germline): Conflicting classifications of pathogenicity. Review status: criteria provided, conflicting classifications (1 of 4 stars). 2 submissions from 2 submitters: Uncertain significance (1); Likely benign (1). Last evaluated 2025-11-20.

Allele frequency attached by ClinVar (database versions not stated): 1000 Genomes Project 30x 0.00016; 1000 Genomes Project 0.00020; gnomAD exomes 0.00148; ESP Exome Variant Server 0.00154; gnomAD 0.00178; ExAC 0.00179.
gnomAD v4.1: 2,427 of 1,613,984 alleles (0.15%); highest among the groups gnomAD compares: Non-Finnish European, 0.17%; 7 homozygotes.

Submissions (2):

Ambry Genetics
Classification: Uncertain significance. Last evaluated: 2025-11-20. Review status: criteria provided, single submitter. Criteria: Ambry Variant Classification Scheme 2023. Collection method: clinical testing. Allele origin: germline.

CeGaT Center for Human Genetics Tuebingen
Classification: Likely benign. Last evaluated: 2024-04-01. Review status: criteria provided, single submitter. Criteria: CeGaT Center For Human Genetics Tuebingen Variant Classification Criteria Version 2. Collection method: clinical testing. Allele origin: germline. Affected: yes. Observed: 1 variant allele.
Comment: ARID4B: BP4

NM_016374.6(ARID4B):c.3545C>T (p.Thr1182Ile)

Gene: ARID4B (AT-rich interaction domain 4B; minus strand). Cytogenetic location: 1q42.3.
Variant type: single nucleotide variant.
Coding change: c.3545C>T on transcript NM_016374.6 (MANE Select); coding-DNA position 3545, C replaced by T.
Protein change: p.Thr1182Ile; replaces threonine 1182 with isoleucine.
Molecular consequence: missense variant. On other transcripts: non-coding transcript variant (1).
Genome position (GRCh38, 1-based): chr1:235,175,303, G>A on the plus strand (C>T on the coding strand, the complement: ARID4B is on the minus strand). VCF-style: chr1-235175303-G-A. GRCh37 (hg19) VCF-style: chr1-235338618-G-A.
Other names: c.3545C>T (NM_016374.5); c.3545C>T, p.Thr1182Ile (NM_001206794.2); c.3287C>T, p.Thr1096Ile (NM_031371.4); short protein forms T1096I, T1182I.
Identifiers: ClinVar variation 3234190 (VCV003234190.20), dbSNP rs148402228, ClinGen allele CA1462829.